The following is an entry in ClinVar:

ClinVar aggregate classification (germline): Uncertain significance. Review status: criteria provided, multiple submitters, no conflicts (2 of 4 stars). 4 submissions from 4 submitters: Uncertain significance (3). 1 of the submissions does not count toward it. Last evaluated 2024-02-25.

Conditions:
Familial dysautonomia. Also called: HSAN III; FD. Identifiers: Orphanet 1764, MedGen C0013364, MONDO:0009131, OMIM 223900. Disease mechanism: loss of function.
Medulloblastoma (MDB). Also called: Medulloblastoma, somatic; MEDULLOBLASTOMA PREDISPOSITION SYNDROME. Identifiers: Orphanet 616, MedGen C0025149, MeSH D008527, MONDO:0007959, OMIM 155255, HP:0002885.

gnomAD v4.1: 2 of 1,614,162 alleles (0.00012%); highest among the groups gnomAD compares: Non-Finnish European, 0.00017%; no homozygotes.

Submissions (4):

Ambry Genetics
Classification: Uncertain significance. Last evaluated: 2024-02-25. Review status: criteria provided, single submitter. Criteria: Ambry Variant Classification Scheme 2023. Collection method: clinical testing. Allele origin: germline.
Comment: The p.V698I variant (also known as c.2092G>A), located in coding exon 18 of the IKBKAP gene, results from a G to A substitution at nucleotide position 2092. The valine at codon 698 is replaced by isoleucine, an amino acid with highly similar properties. This amino acid position is conserved. In addition, this alteration is predicted to be tolerated by in silico analysis. Based on the available evidence, the clinical significance of this alteration remains unclear.

Fulgent Genetics
Classification: Uncertain significance for Medulloblastoma; Familial dysautonomia. Last evaluated: 2021-12-16. Review status: criteria provided, single submitter. Criteria: ACMG Guidelines, 2015. Collection method: clinical testing. Allele origin: unknown.

Labcorp Genetics (formerly Invitae), Labcorp
Classification: Uncertain significance. Last evaluated: 2021-08-26. Review status: criteria provided, single submitter. Criteria: Invitae Variant Classification Sherloc (09022015). Collection method: clinical testing. Allele origin: germline.
Comment: This sequence change replaces valine with isoleucine at codon 698 of the ELP1 protein (p.Val698Ile). The valine residue is highly conserved and there is a small physicochemical difference between valine and isoleucine. This variant is not present in population databases (ExAC no frequency). This variant has not been reported in the literature in individuals affected with ELP1-related conditions. Algorithms developed to predict the effect of missense changes on protein structure and function (SIFT, PolyPhen-2, Align-GVGD) all suggest that this variant is likely to be tolerated. In summary, the available evidence is currently insufficient to determine the role of this variant in disease. Therefore, it has been classified as a Variant of Uncertain Significance.

Natera, Inc.
Classification: Uncertain significance for Familial dysautonomia. Last evaluated: 2021-09-10. Review status: no assertion criteria provided. Collection method: clinical testing. Allele origin: germline. Not counted in ClinVar's aggregate classification.

NM_003640.5(ELP1):c.2092G>A (p.Val698Ile)

Gene: ELP1 (elongator acetyltransferase complex subunit 1; minus strand). Cytogenetic location: 9q31.3.
Variant type: single nucleotide variant.
Coding change: c.2092G>A on transcript NM_003640.5 (MANE Select); coding-DNA position 2092, G replaced by A.
Protein change: p.Val698Ile; replaces valine 698 with isoleucine.
Molecular consequence: missense variant.
Genome position (GRCh38, 1-based): chr9:108,900,298, C>T on the plus strand (G>A on the coding strand, the complement: ELP1 is on the minus strand). VCF-style: chr9-108900298-C-T. GRCh37 (hg19) VCF-style: chr9-111662578-C-T.
Other names: c.1750G>A, p.Val584Ile (NM_001318360.2); c.1045G>A, p.Val349Ile (NM_001330749.2); short protein forms V584I, V349I, V698I.
Identifiers: ClinVar variation 862871 (VCV000862871.8), dbSNP rs1828721515, ClinGen allele CA374423423.